The following is an entry in ClinVar:

NM_001330588.2(TPP2):c.3781G>A (p.Val1261Ile)

Gene: TPP2 (tripeptidyl peptidase 2; plus strand). Cytogenetic location: 13q33.1.
Variant type: single nucleotide variant.
Coding change: c.3781G>A on transcript NM_001330588.2 (MANE Select); coding-DNA position 3781, G replaced by A.
Protein change: p.Val1261Ile; replaces valine 1261 with isoleucine.
Molecular consequence: missense variant. On other transcripts: non-coding transcript variant (1).
Genome position (GRCh38, 1-based): chr13:102,678,308, G>A. VCF-style: chr13-102678308-G-A. GRCh37 (hg19) VCF-style: chr13-103330658-G-A.
Other names: p.Val1248Ile; c.3868G>A, p.Val1290Ile (NM_001367947.1); c.3742G>A, p.Val1248Ile (NM_003291.4); short protein forms V1248I, V1261I, V1290I.
Identifiers: ClinVar variation 850271 (VCV000850271.9), dbSNP rs368359506, ClinGen allele CA7038352.
Genomic context (GRCh38, chr13:102,678,308, plus strand): 5'-ACCCATTGTGCATCTTTTACTGAAAACTGGCTCCCCATCATGTATCCTCCCGATTATTGC[G>A]TATTCTAAAATAGGAAACAAGACTTTAAATTTTAAAAAAGGAAGTTTTATAGTGAATGGG-3'
Protein context (NP_001317517.1, residues 1251-1262): LPIMYPPDYC[Val1261Ile]F

ClinVar aggregate classification (germline): Uncertain significance. Review status: criteria provided, multiple submitters, no conflicts (2 of 4 stars). 3 submissions from 3 submitters: Uncertain significance (3). Last evaluated 2025-12-06.

Conditions:
Inborn genetic diseases. Identifiers: MedGen C0950123, MeSH D030342.
Evans syndrome, immunodeficiency, and premature immunosenescence associated with tripeptidyl-peptidase II deficiency. Identifiers: MedGen CN231723. Disease mechanism: loss of function.

Allele frequency attached by ClinVar (database versions not stated): ExAC 0.00004; ESP Exome Variant Server 0.00008; gnomAD exomes 0.00005; TOPMed 0.00005; gnomAD 0.00002.
gnomAD v4.1: 44 of 1,612,918 alleles (0.0027%); highest among the groups gnomAD compares: Admixed American, 0.0067%; no homozygotes.

Submissions (3):

Mayo Clinic Laboratories, Mayo Clinic
Classification: Uncertain significance. Last evaluated: 2025-12-06. Review status: criteria provided, single submitter. Criteria: ACMG Guidelines, 2015. Collection method: clinical testing. Allele origin: germline. Observed: 1 variant allele.
Comment: BP4_moderate

Ambry Genetics
Classification: Uncertain significance for Inborn genetic diseases. Last evaluated: 2025-02-22. Review status: criteria provided, single submitter. Criteria: Ambry Variant Classification Scheme 2023. Collection method: clinical testing. Allele origin: germline.

Labcorp Genetics (formerly Invitae), Labcorp
Classification: Uncertain significance for Evans syndrome, immunodeficiency, and premature immunosenescence associated with tripeptidyl-peptidase II deficiency. Last evaluated: 2022-09-21. Review status: criteria provided, single submitter. Criteria: Invitae Variant Classification Sherloc (09022015). Collection method: clinical testing. Allele origin: germline.
Comment: This sequence change replaces valine, which is neutral and non-polar, with isoleucine, which is neutral and non-polar, at codon 1248 of the TPP2 protein (p.Val1248Ile). This variant is present in population databases (rs368359506, gnomAD 0.01%). This variant has not been reported in the literature in individuals affected with TPP2-related conditions. Algorithms developed to predict the effect of missense changes on protein structure and function output the following: SIFT: "Tolerated"; PolyPhen-2: "Benign"; Align-GVGD: "Class C0". The isoleucine amino acid residue is found in multiple mammalian species, which suggests that this missense change does not adversely affect protein function. In summary, the available evidence is currently insufficient to determine the role of this variant in disease. Therefore, it has been classified as a Variant of Uncertain Significance.